The following is an entry in ClinVar:

ClinVar aggregate classification (germline): Likely pathogenic (1 of 4 stars; one submission).

Submission:

GeneDx
Classification: Likely pathogenic. Last evaluated: 2025-08-26. Review status: criteria provided, single submitter. Criteria: GeneDx Variant Classification Process June 2021. Collection method: clinical testing. Allele origin: germline. Affected: yes.
Comment: Canonical splice site variant predicted to result in a null allele in a gene for which loss of function is a known mechanism of disease; Not observed at significant frequency in large population cohorts (gnomAD); Has not been previously published as pathogenic or benign to our knowledge

NM_014905.5(GLS):c.386+2T>C

Gene: GLS (glutaminase; plus strand). Cytogenetic location: 2q32.2.
Variant type: single nucleotide variant.
Coding change: c.386+2T>C on transcript NM_014905.5 (MANE Select); the canonical splice donor site of the intron after coding-DNA position 386, T replaced by C.
Molecular consequence: splice donor variant.
Genome position (GRCh38, 1-based): chr2:190,881,472, T>C. VCF-style: chr2-190881472-T-C. GRCh37 (hg19) VCF-style: chr2-191746198-T-C.
Other names: c.386+2T>C (NM_001437282.1, NM_001437283.1, NM_001256310.2).
Identifiers: ClinVar variation 4812900 (VCV004812900.1).